The following is an entry in ClinVar:

ClinVar aggregate classification (germline): Likely pathogenic (0 of 4 stars; one submission).

Conditions:
Wiskott-Aldrich syndrome (WAS). Also called: ALDRICH SYNDROME; IMMUNODEFICIENCY 2; WISKOTT-ALDRICH SYNDROME 1; Wiskott-aldrich syndrome, somatic. Identifiers: Orphanet 906, MedGen C0043194, MONDO:0010518, OMIM 301000.

Submission:

Guangzhou Med-Max Medical Lab Co. Ltd
Classification: Likely pathogenic for Wiskott-Aldrich syndrome. Review status: no assertion criteria provided. Collection method: clinical testing. Allele origin: germline. Inheritance: X-linked inheritance. Affected: yes. Observed: 1 variant allele, 1 heterozygote.
Comment: Summary: mutations in this gene resulting in amino acid changes have been reported to affect was protein function (PMID:9683546, 19817875, 11442475). Related amino acid changes have been reported on ClinVar. The variant did not appear in the population database (no frequency in exac). This sequence change replaces phenylalanine with leucine at codon 84 of was protein (p.phe84leu). Phenylalanine residues are highly conserved, and there are minor physicochemical differences between phenylalanine and leucine.

Literature cited by the submitters: PubMed 19817875; PubMed 11167787; PubMed 11442475.

NM_000377.3(WAS):c.252C>A (p.Phe84Leu)

Gene: WAS (WASP actin nucleation promoting factor; plus strand). Cytogenetic location: Xp11.23.
Variant type: single nucleotide variant.
Coding change: c.252C>A on transcript NM_000377.3 (MANE Select); coding-DNA position 252, C replaced by A.
Protein change: p.Phe84Leu; replaces phenylalanine 84 with leucine.
Molecular consequence: missense variant.
Genome position (GRCh38, 1-based): chrX:48,684,402, C>A. VCF-style: chrX-48684402-C-A. GRCh37 (hg19) VCF-style: chrX-48542791-C-A.
Other names: c.252C>A, p.Phe84Leu (NM_001438876.1, NM_001438877.1, NM_001438878.1 and 1 more transcripts); short protein forms F84L.
Identifiers: ClinVar variation 4813313 (VCV004813313.1).